The following is an entry in ClinVar:

NM_024652.6(LRRK1):c.5387C>A (p.Pro1796His)

Genes: LRRK1 (leucine rich repeat kinase 1; plus strand), LRRK1-AS1 (LRRK1 antisense RNA 1; minus strand). Cytogenetic location: 15q26.3.
Variant type: single nucleotide variant.
Coding change: c.5387C>A on transcript NM_024652.6 (MANE Select); coding-DNA position 5387, C replaced by A.
Protein change: p.Pro1796His; replaces proline 1796 with histidine.
Molecular consequence: missense variant.
Genome position (GRCh38, 1-based): chr15:101,065,824, C>A. VCF-style: chr15-101065824-C-A. GRCh37 (hg19) VCF-style: chr15-101606029-C-A.
Other names: short protein forms P1796H.
Identifiers: ClinVar variation 779276 (VCV000779276.36), dbSNP rs34876840, ClinGen allele CA7762132.

ClinVar aggregate classification (germline): Likely benign. Review status: criteria provided, multiple submitters, no conflicts (2 of 4 stars). 5 submissions from 5 submitters: Likely benign (4). 1 of the submissions does not count toward it. Last evaluated 2026-08-01.

Conditions:
LRRK1-related disorder. Also called: LRRK1-related condition.
Osteosclerotic metaphyseal dysplasia (OSMD). Identifiers: Orphanet 500548, MedGen C3554665, MONDO:0014080, OMIM 615198.

Allele frequency attached by ClinVar (database versions not stated): 1000 Genomes Project 0.00359; 1000 Genomes Project 30x 0.00375; TOPMed 0.00477; gnomAD exomes 0.00513 and 0.00732; ExAC 0.00524; gnomAD 0.00542 and 0.00545; ESP Exome Variant Server 0.00606.
gnomAD v4.1: 11,495 of 1,614,096 alleles (0.71%); highest among the groups gnomAD compares: Non-Finnish European, 0.86%; 59 homozygotes.

Submissions (5):

CeGaT Center for Human Genetics Tuebingen
Classification: Likely benign. Last evaluated: 2026-08-01. Review status: criteria provided, single submitter. Criteria: CeGaT Center For Human Genetics Tuebingen Variant Classification Criteria Version 2. Collection method: clinical testing. Allele origin: germline. Affected: yes. Observed: 7 variant alleles.
Comment: LRRK1: BP4, BS2

Labcorp Genetics (formerly Invitae), Labcorp
Classification: Likely benign. Last evaluated: 2026-02-02. Review status: criteria provided, single submitter. Criteria: Invitae Variant Classification Sherloc (09022015). Collection method: clinical testing. Allele origin: germline.

Fulgent Genetics
Classification: Likely benign for Osteosclerotic metaphyseal dysplasia. Last evaluated: 2021-07-22. Review status: criteria provided, single submitter. Criteria: ACMG Guidelines, 2015. Collection method: clinical testing. Allele origin: unknown.

Breakthrough Genomics
Classification: Likely benign. Review status: criteria provided, single submitter. Criteria: ACMG Guidelines, 2015. Collection method: not provided. Allele origin: germline. Inheritance: Autosomal recessive inheritance. Affected: yes.

PreventionGenetics, part of Exact Sciences
Classification: Benign for LRRK1-related condition. Last evaluated: 2019-05-14. Review status: no assertion criteria provided. Collection method: clinical testing. Allele origin: germline. Not counted in ClinVar's aggregate classification.
Comment: This variant is classified as benign based on ACMG/AMP sequence variant interpretation guidelines (Richards et al. 2015 PMID: 25741868, with internal and published modifications).